The following is an entry in ClinVar:

NM_021629.4(GNB4):c.311C>T (p.Ala104Val)

Gene: GNB4 (G protein subunit beta 4; minus strand). Cytogenetic location: 3q26.33.
Variant type: single nucleotide variant.
Coding change: c.311C>T on transcript NM_021629.4 (MANE Select); coding-DNA position 311, C replaced by T.
Protein change: p.Ala104Val; replaces alanine 104 with valine.
Molecular consequence: missense variant.
Genome position (GRCh38, 1-based): chr3:179,415,004, G>A on the plus strand (C>T on the coding strand, the complement: GNB4 is on the minus strand). VCF-style: chr3-179415004-G-A. GRCh37 (hg19) VCF-style: chr3-179132792-G-A.
Other names: short protein forms A104V.
Identifiers: ClinVar variation 1463125 (VCV001463125.8), dbSNP rs761510333, ClinGen allele CA2712512.

ClinVar aggregate classification (germline): Uncertain significance (1 of 4 stars; one submission).

Conditions:
Charcot-Marie-Tooth disease dominant intermediate F. Identifiers: Orphanet 352670, MedGen C4749463, MONDO:0014074, OMIM 615185.

Allele frequency attached by ClinVar (database versions not stated): gnomAD exomes below 0.00001; ExAC 0.00001.
gnomAD v4.1: 1 of 1,610,388 alleles (0.000062%); highest among the groups gnomAD compares: Non-Finnish European, 0.000085%; no homozygotes.

Submission:

Labcorp Genetics (formerly Invitae), Labcorp
Classification: Uncertain significance for Charcot-Marie-Tooth disease dominant intermediate F. Last evaluated: 2021-05-19. Review status: criteria provided, single submitter. Criteria: Invitae Variant Classification Sherloc (09022015). Collection method: clinical testing. Allele origin: germline.
Comment: This variant is present in population databases (rs761510333, ExAC 0.002%). This sequence change replaces alanine with valine at codon 104 of the GNB4 protein (p.Ala104Val). The alanine residue is highly conserved and there is a small physicochemical difference between alanine and valine. This variant has not been reported in the literature in individuals with GNB4-related conditions. In summary, the available evidence is currently insufficient to determine the role of this variant in disease. Therefore, it has been classified as a Variant of Uncertain Significance. Algorithms developed to predict the effect of missense changes on protein structure and function (SIFT, PolyPhen-2, Align-GVGD) all suggest that this variant is likely to be disruptive, but these predictions have not been confirmed by published functional studies and their clinical significance is uncertain.